The following is an entry in ClinVar:

ClinVar aggregate classification (germline): Pathogenic. Review status: criteria provided, multiple submitters, no conflicts (2 of 4 stars). 3 submissions from 3 submitters: Pathogenic (3). Last evaluated 2023-11-17.

Conditions:
Usher syndrome. Also called: Usher Syndromes; Usher's syndrome. Identifiers: Orphanet 886, MedGen CN469326, MeSH D052245, MONDO:0019501. Disease mechanism: loss of function.
Rare genetic deafness. Identifiers: Orphanet 96210, MedGen C5680250.
Retinitis pigmentosa 39 (RP39). Identifiers: Orphanet 791, MedGen C3151138, MONDO:0013436, OMIM 613809.

Allele frequency attached by ClinVar (database versions not stated): gnomAD exomes below 0.00001.

Submissions (3):

Women's Health and Genetics/Laboratory Corporation of America, LabCorp
Classification: Pathogenic for Retinitis pigmentosa-deafness syndrome. Last evaluated: 2023-11-17. Review status: criteria provided, single submitter. Criteria: LabCorp Variant Classification Summary - May 2015. Collection method: clinical testing. Allele origin: germline.
Comment: Variant summary: USH2A c.632G>A (p.Trp211X) results in a premature termination codon and is predicted to cause absence of the protein due to nonsense mediated decay, a commonly known mechanism for disease. The variant was absent in 250800 control chromosomes (gnomAD). To our knowledge, no occurrence of c.632G>A in individuals affected with Usher Syndrome and no experimental evidence demonstrating its impact on protein function have been reported. However, another variant resulting in the same amino acid change, c.633G>A (p.Trp211X) has been reported in the literature in at least one individual affected with Usher Syndrome (e.g. Bonnet_2016, PMID: 27460420). No submitters have cited clinical-significance assessments for c.632G>A to ClinVar after 2014. Based on the evidence outlined above, the variant was classified as pathogenic.

Baylor Genetics
Classification: Pathogenic for Retinitis pigmentosa 39. Last evaluated: 2023-10-26. Review status: criteria provided, single submitter. Criteria: ACMG Guidelines, 2015. Collection method: clinical testing. Allele origin: unknown.

Laboratory for Molecular Medicine, Mass General Brigham Personalized Medicine
Classification: Pathogenic for Rare genetic deafness. Last evaluated: 2013-12-23. Review status: criteria provided, single submitter. Criteria: LMM Criteria. Collection method: clinical testing. Allele origin: germline. Inheritance: Autosomal recessive inheritance. Observed: 1 variant allele.
Comment: The Trp211X variant in USH2A has not been previously reported in individuals wit h hearing loss or in large population studies. This nonsense variant leads to a premature termination codon at position 211, which is predicted to lead to a tru ncated or absent protein. In summary, this variant meets our criteria to be clas sified as pathogenic.

Literature cited by the submitters: PubMed 27460420 (cited by Women's Health and Genetics/Laboratory Corporation of America, LabCorp).

NM_206933.4(USH2A):c.632G>A (p.Trp211Ter)

Gene: USH2A (usherin; minus strand). Cytogenetic location: 1q41.
Variant type: single nucleotide variant.
Coding change: c.632G>A on transcript NM_206933.4 (MANE Select); coding-DNA position 632, G replaced by A.
Protein change: p.Trp211Ter; replaces tryptophan 211 with a stop codon.
Molecular consequence: nonsense.
Genome position (GRCh38, 1-based): chr1:216,418,533, C>T on the plus strand (G>A on the coding strand, the complement: USH2A is on the minus strand). VCF-style: chr1-216418533-C-T. GRCh37 (hg19) VCF-style: chr1-216591875-C-T.
Other names: c.632G>A, p.Trp211Ter (NM_007123.6); short protein forms W211*.
Identifiers: ClinVar variation 179482 (VCV000179482.7), dbSNP rs727504893, ClinGen allele CA273632.
Genomic context (GRCh38, chr1:216,418,533, plus strand): 5'-TTGTGTTTAACCAAATGTTAAATATTTTTTATTTTACTCACCTGCACACTAAGATGAATC[C>T]ATTTCTTCACAAGAATTCTCCCCAGTGTCATTACTTTTATTGGAGGTTGCAAACCATTTA-3'